The following is an entry in ClinVar:

ClinVar aggregate classification (germline): Likely benign (0 of 4 stars; one submission).

Conditions:
HGSNAT-related disorder. Also called: HGSNAT-related condition.

Submission:

PreventionGenetics, part of Exact Sciences
Classification: Likely benign for HGSNAT-related condition. Last evaluated: 2019-09-03. Review status: no assertion criteria provided. Collection method: clinical testing. Allele origin: germline.
Comment: This variant is classified as likely benign based on ACMG/AMP sequence variant interpretation guidelines (Richards et al. 2015 PMID: 25741868, with internal and published modifications).

NM_152419.3(HGSNAT):c.1029G>A (p.Val343=)

Gene: HGSNAT (heparan-alpha-glucosaminide N-acetyltransferase; plus strand). Cytogenetic location: 8p11.21.
Variant type: single nucleotide variant.
Coding change: c.1029G>A on transcript NM_152419.3 (MANE Select); coding-DNA position 1029, G replaced by A.
Protein change: p.Val343=; no amino-acid change (valine 343 retained).
Molecular consequence: synonymous variant.
Genome position (GRCh38, 1-based): chr8:43,182,161, G>A. VCF-style: chr8-43182161-G-A. GRCh37 (hg19) VCF-style: chr8-43037304-G-A.
Other names: c.1029G>A, p.Val343= (NM_001363227.2); c.837G>A, p.Val279= (NM_001363228.2); c.165G>A, p.Val55= (NM_001363229.2).
Identifiers: ClinVar variation 3357131 (VCV003357131.1).